The following is an entry in ClinVar:

NM_006662.3(SRCAP):c.1799C>T (p.Thr600Met)

Gene: SRCAP (Snf2 related CREBBP activator protein; plus strand). Cytogenetic location: 16p11.2.
Variant type: single nucleotide variant.
Coding change: c.1799C>T on transcript NM_006662.3 (MANE Select); coding-DNA position 1799, C replaced by T.
Protein change: p.Thr600Met; replaces threonine 600 with methionine.
Molecular consequence: missense variant.
Genome position (GRCh38, 1-based): chr16:30,712,141, C>T. VCF-style: chr16-30712141-C-T. GRCh37 (hg19) VCF-style: chr16-30723462-C-T.
Other names: short protein forms T600M.
Identifiers: ClinVar variation 1722813 (VCV001722813.6), dbSNP rs2052898803, ClinGen allele CA395606737.
Genomic context (GRCh38, chr16:30,712,141, plus strand): 5'-CAAAGAAAGAAATTACTGACATTGCTGCAGCAGCTGAAAGTCTCCAGCCCAAGGGTTACA[C>T]GCTGGCCACGACCCAGGTATCCCCAGGTTCTGGCCTCTCCTTTCTCATGTCTTGACTTTC-3'
Protein context (NP_006653.2, residues 590-610): AAESLQPKGY[Thr600Met]LATTQVKTPI

ClinVar aggregate classification (germline): Uncertain significance. Review status: criteria provided, multiple submitters, no conflicts (2 of 4 stars). 2 submissions from 2 submitters: Uncertain significance (2). Last evaluated 2023-07-06.

Submissions (2):

GeneDx
Classification: Uncertain significance. Last evaluated: 2023-07-06. Review status: criteria provided, single submitter. Criteria: GeneDx Variant Classification Process June 2021. Collection method: clinical testing. Allele origin: germline. Affected: yes.
Comment: Not observed at significant frequency in large population cohorts (gnomAD); In silico analysis supports that this missense variant has a deleterious effect on protein structure/function; Has not been previously published as pathogenic or benign to our knowledge

Labcorp Genetics (formerly Invitae), Labcorp
Classification: Uncertain significance. Last evaluated: 2022-11-02. Review status: criteria provided, single submitter. Criteria: Invitae Variant Classification Sherloc (09022015). Collection method: clinical testing. Allele origin: germline.
Comment: This sequence change replaces threonine, which is neutral and polar, with methionine, which is neutral and non-polar, at codon 600 of the SRCAP protein (p.Thr600Met). This variant is not present in population databases (gnomAD no frequency). In summary, the available evidence is currently insufficient to determine the role of this variant in disease. Therefore, it has been classified as a Variant of Uncertain Significance. Advanced modeling of protein sequence and biophysical properties (such as structural, functional, and spatial information, amino acid conservation, physicochemical variation, residue mobility, and thermodynamic stability) has been performed at Invitae for this missense variant, however the output from this modeling did not meet the statistical confidence thresholds required to predict the impact of this variant on SRCAP protein function. This variant has not been reported in the literature in individuals affected with SRCAP-related conditions.